The following is an entry in ClinVar:

ClinVar aggregate classification (germline): Uncertain significance. Review status: criteria provided, multiple submitters, no conflicts (2 of 4 stars). 3 submissions from 3 submitters: Uncertain significance (3). Last evaluated 2024-11-05.

Allele frequency attached by ClinVar (database versions not stated): ExAC 0.00002; gnomAD exomes 0.00002 and 0.00005; TOPMed 0.00004; gnomAD 0.00005 and 0.00006.
gnomAD v4.1: 91 of 1,613,956 alleles (0.0056%); highest among the groups gnomAD compares: Non-Finnish European, 0.0069%; no homozygotes.

Submissions (3):

Labcorp Genetics (formerly Invitae), Labcorp
Classification: Uncertain significance. Last evaluated: 2024-11-05. Review status: criteria provided, single submitter. Criteria: Invitae Variant Classification Sherloc (09022015). Collection method: clinical testing. Allele origin: germline.
Comment: This sequence change replaces arginine, which is basic and polar, with cysteine, which is neutral and slightly polar, at codon 275 of the MYO3A protein (p.Arg275Cys). This variant is present in population databases (rs755478240, gnomAD 0.005%). This variant has not been reported in the literature in individuals affected with MYO3A-related conditions. ClinVar contains an entry for this variant (Variation ID: 228988). An algorithm developed to predict the effect of missense changes on protein structure and function (PolyPhen-2) suggests that this variant is likely to be disruptive. In summary, the available evidence is currently insufficient to determine the role of this variant in disease. Therefore, it has been classified as a Variant of Uncertain Significance.

GeneDx
Classification: Uncertain significance. Last evaluated: 2024-03-27. Review status: criteria provided, single submitter. Criteria: GeneDx Variant Classification Process June 2021. Collection method: clinical testing. Allele origin: germline. Affected: yes.
Comment: In silico analysis supports that this missense variant has a deleterious effect on protein structure/function; Has not been previously published as pathogenic or benign to our knowledge

Laboratory for Molecular Medicine, Mass General Brigham Personalized Medicine
Classification: Uncertain significance. Last evaluated: 2016-03-01. Review status: criteria provided, single submitter. Criteria: LMM Criteria. Collection method: clinical testing. Allele origin: germline. Observed: 1 variant allele.
Comment: The p.Arg275Cys variant in MYO3A has not been previously reported in individuals with hearing loss, but has been identified in 3/66476 European chromosomes by t he Exome Aggregation Consortium (ExAC; dbSNP rs7 55478240). Although this variant has been seen in the general population, its fr equency is not high enough to rule out a pathogenic role. Computational predicti on tools and conservation analyses suggest that the p.Arg275Cys variant may impa ct the protein, though this information is not predictive enough to determine pa thogenicity. In summary, the clinical significance of the p.Arg275Cys variant is uncertain.

NM_017433.5(MYO3A):c.823C>T (p.Arg275Cys)

Gene: MYO3A (myosin IIIA; plus strand). Cytogenetic location: 10p12.1.
Variant type: single nucleotide variant.
Coding change: c.823C>T on transcript NM_017433.5 (MANE Select); coding-DNA position 823, C replaced by T.
Protein change: p.Arg275Cys; replaces arginine 275 with cysteine.
Molecular consequence: missense variant.
Genome position (GRCh38, 1-based): chr10:26,026,402, C>T. VCF-style: chr10-26026402-C-T. GRCh37 (hg19) VCF-style: chr10-26315331-C-T.
Other names: short protein forms R275C.
Identifiers: ClinVar variation 228988 (VCV000228988.7), dbSNP rs755478240, ClinGen allele CA5444465.